The following is an entry in ClinVar:

NM_000051.4(ATM):c.1117A>G (p.Thr373Ala)

Gene: ATM (ATM serine/threonine kinase; plus strand). Cytogenetic location: 11q22.3.
Variant type: single nucleotide variant.
Coding change: c.1117A>G on transcript NM_000051.4 (MANE Select); coding-DNA position 1117, A replaced by G.
Protein change: p.Thr373Ala; replaces threonine 373 with alanine.
Molecular consequence: missense variant.
Genome position (GRCh38, 1-based): chr11:108,248,984, A>G. VCF-style: chr11-108248984-A-G. GRCh37 (hg19) VCF-style: chr11-108119711-A-G.
Other names: c.1117A>G, p.Thr373Ala (NM_001351834.2); short protein forms T373A.
Identifiers: ClinVar variation 942913 (VCV000942913.9), dbSNP rs751092163, ClinGen allele CA6264765.

ClinVar aggregate classification (germline): Uncertain significance (1 of 4 stars; one submission).

Conditions:
Ataxia-telangiectasia syndrome (AT). Also called: Ataxia-telangiectasia, complementation group E; Ataxia telangiectasia (A-T); LOUIS-BAR SYNDROME; ATAXIA-TELANGIECTASIA, FRESNO VARIANT; AT, COMPLEMENTATION GROUP C; Ataxia-telangiectasia. Identifiers: Orphanet 100, MedGen C0004135, MONDO:0008840, OMIM 208900.

Allele frequency attached by ClinVar (database versions not stated): gnomAD exomes below 0.00001; ExAC 0.00001.

Submission:

Labcorp Genetics (formerly Invitae), Labcorp
Classification: Uncertain significance for Ataxia-telangiectasia syndrome. Last evaluated: 2019-06-19. Review status: criteria provided, single submitter. Criteria: Invitae Variant Classification Sherloc (09022015). Collection method: clinical testing. Allele origin: germline.
Comment: This variant is present in population databases (rs751092163, ExAC 0.009%). In summary, the available evidence is currently insufficient to determine the role of this variant in disease. Therefore, it has been classified as a Variant of Uncertain Significance. Algorithms developed to predict the effect of missense changes on protein structure and function (SIFT, PolyPhen-2, Align-GVGD) all suggest that this variant is likely to be tolerated, but these predictions have not been confirmed by published functional studies and their clinical significance is uncertain. This variant has not been reported in the literature in individuals with ATM-related conditions. This sequence change replaces threonine with alanine at codon 373 of the ATM protein (p.Thr373Ala). The threonine residue is highly conserved and there is a small physicochemical difference between threonine and alanine.